The following is an entry in ClinVar:

ClinVar aggregate classification (germline): Uncertain significance (1 of 4 stars; one submission).

Submission:

Labcorp Genetics (formerly Invitae), Labcorp
Classification: Uncertain significance. Last evaluated: 2023-11-20. Review status: criteria provided, single submitter. Criteria: Invitae Variant Classification Sherloc (09022015). Collection method: clinical testing. Allele origin: germline.
Comment: This sequence change replaces methionine, which is neutral and non-polar, with isoleucine, which is neutral and non-polar, at codon 4369 of the FAT4 protein (p.Met4369Ile). This variant is not present in population databases (gnomAD no frequency). This variant has not been reported in the literature in individuals affected with FAT4-related conditions. Advanced modeling of protein sequence and biophysical properties (such as structural, functional, and spatial information, amino acid conservation, physicochemical variation, residue mobility, and thermodynamic stability) performed at Invitae indicates that this missense variant is not expected to disrupt FAT4 protein function with a negative predictive value of 95%. In summary, the available evidence is currently insufficient to determine the role of this variant in disease. Therefore, it has been classified as a Variant of Uncertain Significance.

NM_001291303.3(FAT4):c.13113G>T (p.Met4371Ile)

Gene: FAT4 (FAT atypical cadherin 4; plus strand). Cytogenetic location: 4q28.1.
Variant type: single nucleotide variant.
Coding change: c.13113G>T on transcript NM_001291303.3 (MANE Select); coding-DNA position 13113, G replaced by T.
Protein change: p.Met4371Ile; replaces methionine 4371 with isoleucine.
Molecular consequence: missense variant.
Genome position (GRCh38, 1-based): chr4:125,489,929, G>T. VCF-style: chr4-125489929-G-T. GRCh37 (hg19) VCF-style: chr4-126411084-G-T.
Other names: c.13110G>T, p.Met4370Ile (NM_001291285.3); c.13107G>T, p.Met4369Ile (NM_024582.6); short protein forms M4370I, M4371I, M4369I.
Identifiers: ClinVar variation 2767498 (VCV002767498.3), dbSNP rs552367476, ClinGen allele CA358135692.
Genomic context (GRCh38, chr4:125,489,929, plus strand): 5'-GTAAAAAGCCTTACTCCTTCTTCTTCTCCCAGCAGGTTTTGATGGCTGCATTGCTTCTAT[G>T]TGGTATGGTGGAGAAAGTCTTCCTTTCAGCGGGAAGCATAGCTTGGCCTCCATCTCAAAA-3'
Protein context (NP_001278232.1, residues 4361-4381): TAGFDGCIAS[Met4371Ile]WYGGESLPFS